The following is an entry in ClinVar:

NM_001122630.2(CDKN1C):c.598delinsAA (p.Ala200fs)

Gene: CDKN1C (cyclin dependent kinase inhibitor 1C; minus strand). Cytogenetic location: 11p15.4.
Variant type: Indel.
Coding change: c.598delinsAA on transcript NM_001122630.2 (MANE Select); coding-DNA position 598, G replaced by AA.
Protein change: p.Ala200fs; shifts the reading frame from alanine 200.
Molecular consequence: frameshift variant. On other transcripts: intron variant (1).
Genome position (GRCh38, 1-based): chr11:2,884,859, C replaced by TT on the plus strand (G replaced by AA on the coding strand, the reverse complement: CDKN1C is on the minus strand). VCF-style: chr11-2884859-C-TT. GRCh37 (hg19) VCF-style: chr11-2906089-C-TT.
Other names: c.631delinsAA, p.Ala211fs (NM_000076.2, NM_001362474.2); c.598delinsAA, p.Ala200fs (NM_001122631.2); c.255+343delinsAA (NM_001362475.2); c.631delGinsAA (NM_000076.2); short protein forms A211fs, A200fs.
Identifiers: ClinVar variation 192355 (VCV000192355.2), dbSNP rs786205239, ClinGen allele CA274880.

ClinVar aggregate classification (germline): Pathogenic (0 of 4 stars; one submission).

Conditions:
Beckwith-Wiedemann syndrome (BWS). Also called: Exomphalos macroglossia gigantism syndrome; EMG SYNDROME. Identifiers: Orphanet 116, MedGen C0004903, MONDO:0007534, OMIM 130650.

Submission:

Centre de Recherche Saint Antoine,  Université Pierre et Marie Curie
Classification: Pathogenic for Beckwith-Wiedemann syndrome. Review status: no assertion criteria provided. Collection method: not provided. Allele origin: unknown.
ClinVar note: Converted during submission from pathogenic to Pathogenic.